The following is an entry in ClinVar:

ClinVar aggregate classification (germline): Uncertain significance. Review status: criteria provided, single submitter (1 of 4 stars). 2 submissions from 2 submitters: Uncertain significance (1). 1 of the submissions does not count toward it. Last evaluated 2025-06-18.

Conditions:
Inborn genetic diseases. Identifiers: MedGen C0950123, MeSH D030342.
Autism (AUTS). Also called: Autistic disorder; Autistic disorder of childhood onset. Identifiers: MedGen C0004352, MeSH D001321, MONDO:0005260, OMIM 209850, HP:0000717.

gnomAD v4.1: 29 of 1,555,206 alleles (0.0019%); highest among the groups gnomAD compares: Middle Eastern, 0.033%; no homozygotes.

Submissions (2):

Ambry Genetics
Classification: Uncertain significance for Inborn genetic diseases. Last evaluated: 2025-06-18. Review status: criteria provided, single submitter. Criteria: Ambry Variant Classification Scheme 2023. Collection method: clinical testing. Allele origin: germline.

Centre for Addiction & Mental Health
Classification: Uncertain significance for Autism. Review status: no assertion criteria provided. Collection method: research. Allele origin: biparental. Affected: yes. Observed: 1 homozygote. Segregation with disease observed. Not counted in ClinVar's aggregate classification.
Comment: Gene not previously associated with disease; independent supportng evidence needed

NM_016366.3(CABP2):c.202G>A (p.Ala68Thr)

Gene: CABP2 (calcium binding protein 2; minus strand). Cytogenetic location: 11q13.2.
Variant type: single nucleotide variant.
Coding change: c.202G>A on transcript NM_016366.3 (MANE Select); coding-DNA position 202, G replaced by A.
Protein change: p.Ala68Thr; replaces alanine 68 with threonine.
Molecular consequence: missense variant. On other transcripts: synonymous variant (1).
Genome position (GRCh38, 1-based): chr11:67,522,557, C>T on the plus strand (G>A on the coding strand, the complement: CABP2 is on the minus strand). VCF-style: chr11-67522557-C-T. GRCh37 (hg19) VCF-style: chr11-67290028-C-T.
Other names: c.216G>A, p.Pro72= (NM_001318496.2); c.202G>A (NM_016366.2); short protein forms A68T.
Identifiers: ClinVar variation 3338189 (VCV003338189.3).